The following is an entry in ClinVar:

NM_000135.4(FANCA):c.2681G>C (p.Arg894Thr)

Genes: FANCA (FA complementation group A; minus strand), LOC130059837 (ATAC-STARR-seq lymphoblastoid active region 11420; plus strand). Cytogenetic location: 16q24.3.
Variant type: single nucleotide variant.
Coding change: c.2681G>C on transcript NM_000135.4 (MANE Select); coding-DNA position 2681, G replaced by C.
Protein change: p.Arg894Thr; replaces arginine 894 with threonine.
Molecular consequence: missense variant.
Genome position (GRCh38, 1-based): chr16:89,764,987, C>G on the plus strand (G>C on the coding strand, the complement: FANCA is on the minus strand). VCF-style: chr16-89764987-C-G. GRCh37 (hg19) VCF-style: chr16-89831395-C-G.
Other names: c.2681G>C, p.Arg894Thr (NM_001286167.3); short protein forms R894T.
Identifiers: ClinVar variation 4824604 (VCV004824604.1).

ClinVar aggregate classification (germline): Uncertain significance (1 of 4 stars; one submission).

Conditions:
Inborn genetic diseases. Identifiers: MedGen C0950123, MeSH D030342.

Submission:

Ambry Genetics
Classification: Uncertain significance for Inborn genetic diseases. Last evaluated: 2026-02-15. Review status: criteria provided, single submitter. Criteria: Ambry Variant Classification Scheme 2023. Collection method: clinical testing. Allele origin: germline.
Comment: The p.R894T variant (also known as c.2681G>C), located in coding exon 28 of the FANCA gene, results from a G to C substitution at nucleotide position 2681. The arginine at codon 894 is replaced by threonine, an amino acid with similar properties. This amino acid position is conserved. In addition, this alteration is predicted to be tolerated by in silico analysis. Based on the available evidence, the clinical significance of this variant remains unclear.